The following is an entry in ClinVar:

NM_005634.3(SOX3):c.419A>G (p.Lys140Arg)

Gene: SOX3 (SRY-box transcription factor 3; minus strand). Cytogenetic location: Xq27.1.
Variant type: single nucleotide variant.
Coding change: c.419A>G on transcript NM_005634.3 (MANE Select); coding-DNA position 419, A replaced by G.
Protein change: p.Lys140Arg; replaces lysine 140 with arginine.
Molecular consequence: missense variant.
Genome position (GRCh38, 1-based): chrX:140,504,642, T>C on the plus strand (A>G on the coding strand, the complement: SOX3 is on the minus strand). VCF-style: chrX-140504642-T-C. GRCh37 (hg19) VCF-style: chrX-139586807-T-C.
Other names: short protein forms K140R.
Identifiers: ClinVar variation 1676187 (VCV001676187.33), dbSNP rs2148334722, ClinGen allele CA414478817.

ClinVar aggregate classification (germline): Uncertain significance (1 of 4 stars; one submission).

Submission:

CeGaT Center for Human Genetics Tuebingen
Classification: Uncertain significance. Last evaluated: 2022-03-01. Review status: criteria provided, single submitter. Criteria: CeGaT Center For Human Genetics Tuebingen Variant Classification Criteria Version 2. Collection method: clinical testing. Allele origin: germline. Affected: yes. Observed: 1 variant allele.
Comment: SOX3: PM2, PP3